The following is an entry in ClinVar:

NM_018036.7(ATG2B):c.1360G>A (p.Val454Met)

Gene: ATG2B (autophagy related 2B; minus strand). Cytogenetic location: 14q32.2.
Variant type: single nucleotide variant.
Coding change: c.1360G>A on transcript NM_018036.7 (MANE Select); coding-DNA position 1360, G replaced by A.
Protein change: p.Val454Met; replaces valine 454 with methionine.
Molecular consequence: missense variant.
Genome position (GRCh38, 1-based): chr14:96,332,503, C>T on the plus strand (G>A on the coding strand, the complement: ATG2B is on the minus strand). VCF-style: chr14-96332503-C-T. GRCh37 (hg19) VCF-style: chr14-96798840-C-T.
Other names: short protein forms V454M.
Identifiers: ClinVar variation 778519 (VCV000778519.8), dbSNP rs117507139, ClinGen allele CA7336761.

ClinVar aggregate classification (germline): Benign/Likely benign. Review status: criteria provided, multiple submitters, no conflicts (2 of 4 stars). 3 submissions from 3 submitters: Benign (2); Likely benign (1). Last evaluated 2025-01-24.

Conditions:
ATG2B-related disorder. Also called: ATG2B-related condition.

Allele frequency attached by ClinVar (database versions not stated): 1000 Genomes Project 30x 0.00141; 1000 Genomes Project 0.00160; TOPMed 0.00423; ESP Exome Variant Server 0.00476; gnomAD 0.00533 and 0.00556; gnomAD exomes 0.00586 and 0.00625; ExAC 0.00622.
gnomAD v4.1: 9,868 of 1,610,572 alleles (0.61%); highest among the groups gnomAD compares: Non-Finnish European, 0.69%; 44 homozygotes.

Submissions (3):

PreventionGenetics, part of Exact Sciences
Classification: Likely benign for ATG2B-related condition. Last evaluated: 2025-01-24. Review status: criteria provided, single submitter. Criteria: ACMG Guidelines, 2015. Collection method: clinical testing. Allele origin: germline.
Comment: This variant is classified as likely benign based on ACMG/AMP sequence variant interpretation guidelines (Richards et al. 2015 PMID: 25741868, with internal and published modifications).

Genetic Services Laboratory, University of Chicago
Classification: Benign. Last evaluated: 2021-06-25. Review status: criteria provided, single submitter. Criteria: ACMG Guidelines, 2015. Collection method: clinical testing. Allele origin: germline. Affected: no.

Labcorp Genetics (formerly Invitae), Labcorp
Classification: Benign. Last evaluated: 2018-06-28. Review status: criteria provided, single submitter. Criteria: Invitae Variant Classification Sherloc (09022015). Collection method: clinical testing. Allele origin: germline.